The following is an entry in ClinVar:

ClinVar aggregate classification (germline): Pathogenic (1 of 4 stars; one submission).

Conditions:
Familial adenomatous polyposis 1 (FAP1). Also called: FAMILIAL ADENOMATOUS POLYPOSIS 1, ATTENUATED; POLYPOSIS, ADENOMATOUS INTESTINAL. Identifiers: MedGen C2713442, MONDO:0021056, OMIM 175100. Disease mechanism: loss of function.

Submission:

Labcorp Genetics (formerly Invitae), Labcorp
Classification: Pathogenic for Familial adenomatous polyposis 1. Last evaluated: 2021-09-23. Review status: criteria provided, single submitter. Criteria: Invitae Variant Classification Sherloc (09022015). Collection method: clinical testing. Allele origin: germline.
Comment: This sequence change creates a premature translational stop signal (p.Ala719Valfs*9) in the APC gene. While this is not anticipated to result in nonsense mediated decay, it is expected to disrupt the last 2125 amino acid(s) of the APC protein. This variant is not present in population databases (ExAC no frequency). This variant has not been reported in the literature in individuals affected with APC-related conditions. A different truncation (p.Tyr2645Lysfs*14) that lies downstream of this variant has been determined to be pathogenic (PMID: 9824584, 1316610, 27081525, 8381579, 22135120, Invitae). This suggests that deletion of this region of the APC protein is causative of disease. For these reasons, this variant has been classified as Pathogenic. This variant is expected to disrupt the EB1 and HDLG binding sites, which mediate interactions with the cytoskeleton (PMID: 15311282, 17293347). While functional studies have not been performed to directly test the effect on APC protein function, this suggests that disruption of the C-terminal portion of the protein is functionally important.

Literature cited by the submitters: PubMed 9824584; PubMed 1316610; PubMed 27081525; PubMed 8381579; PubMed 22135120; PubMed 15311282; PubMed 17293347.

NM_000038.6(APC):c.2154_2155dup (p.Ala719fs)

Gene: APC (APC regulator of Wnt signaling pathway; plus strand). Cytogenetic location: 5q22.2.
Variant type: Duplication.
Coding change: c.2154_2155dup on transcript NM_000038.6 (MANE Select); coding-DNA positions 2154 to 2155, 2 bases duplicated (TG; older notation c.2154_2155dupTG).
Protein change: p.Ala719fs; shifts the reading frame from alanine 719.
Molecular consequence: frameshift variant.
Genome position (GRCh38, 1-based): chr5:112,837,748-112,837,749, TG duplicated. VCF-style (leftmost placement, unchanged base first): chr5-112837747-T-TTG. GRCh37 (hg19) VCF-style: chr5-112173444-T-TTG.
Other names: c.2154_2155dup, p.Ala719fs (NM_001127510.3, NM_001354895.2); c.2100_2101dup, p.Ala701fs (NM_001127511.3); c.2208_2209dup, p.Ala737fs (NM_001354896.2); c.2184_2185dup, p.Ala729fs (NM_001354897.2); c.2079_2080dup, p.Ala694fs (NM_001354898.2); c.2070_2071dup, p.Ala691fs (NM_001354899.2); c.2031_2032dup, p.Ala678fs (NM_001354900.2); c.1977_1978dup, p.Ala660fs (NM_001354901.2); and 5 more; short protein forms A559fs, A593fs, A660fs, A701fs, A719fs, A694fs, A436fs, A618fs.
Identifiers: ClinVar variation 1374121 (VCV001374121.6), dbSNP rs2149861868, ClinGen allele CA2573138921.